The following is an entry in ClinVar:

NM_001399.5(EDA):c.632C>G (p.Thr211Arg)

Gene: EDA (ectodysplasin A; plus strand). Cytogenetic location: Xq13.1.
Variant type: single nucleotide variant.
Coding change: c.632C>G on transcript NM_001399.5 (MANE Select); coding-DNA position 632, C replaced by G.
Protein change: p.Thr211Arg; replaces threonine 211 with arginine.
Molecular consequence: missense variant.
Genome position (GRCh38, 1-based): chrX:70,027,962, C>G. VCF-style: chrX-70027962-C-G. GRCh37 (hg19) VCF-style: chrX-69247812-C-G.
Other names: c.632C>G, p.Thr211Arg (NM_001005609.2, NM_001005612.3); short protein forms T211R.
Identifiers: ClinVar variation 1070895 (VCV001070895.9), dbSNP rs2147509853, ClinGen allele CA413448388.

ClinVar aggregate classification (germline): Pathogenic (1 of 4 stars; one submission).

Conditions:
Hypohidrotic X-linked ectodermal dysplasia (XHED). Also called: ECTODERMAL DYSPLASIA 1; ECTODERMAL DYSPLASIA 1, HYPOHIDROTIC, X-LINKED; ECTODERMAL DYSPLASIA 1, HYPOHIDROTIC/HAIR/TOOTH TYPE, X-LINKED; Christ-Siemans-Touraine syndrome; Anhidrotic ectodermal dysplasia X-linked; Christ Siemens Touraine syndrome. Identifiers: Orphanet 181, Orphanet 238468, MedGen C0162359, MONDO:0010585, OMIM 305100.

Submission:

Labcorp Genetics (formerly Invitae), Labcorp
Classification: Pathogenic for Hypohidrotic X-linked ectodermal dysplasia. Last evaluated: 2020-10-01. Review status: criteria provided, single submitter. Criteria: Invitae Variant Classification Sherloc (09022015). Collection method: clinical testing. Allele origin: germline.
Comment: For these reasons, this variant has been classified as Pathogenic. Advanced modeling of protein sequence and biophysical properties (such as structural, functional, and spatial information, amino acid conservation, physicochemical variation, residue mobility, and thermodynamic stability) performed at Invitae indicates that this missense variant is expected to disrupt EDA protein function. This variant has been observed in individual(s) with clinical features of ectodermal dysplasia (PMID: 20979233, Invitae). This variant is not present in population databases (ExAC no frequency). This sequence change replaces threonine with arginine at codon 211 of the EDA protein (p.Thr211Arg). The threonine residue is highly conserved and there is a moderate physicochemical difference between threonine and arginine.

Literature cited by the submitters: PubMed 20979233.